The following is an entry in ClinVar:

NM_001127453.2(GSDME):c.576+5G>A

Genes: GSDME (gasdermin E; minus strand), LOC129998098 (ATAC-STARR-seq lymphoblastoid active region 25750; plus strand). Cytogenetic location: 7p15.3.
Variant type: single nucleotide variant.
Coding change: c.576+5G>A on transcript NM_001127453.2 (MANE Select); 5 bases into the intron after coding-DNA position 576, G replaced by A.
Molecular consequence: intron variant.
Genome position (GRCh38, 1-based): chr7:24,719,042, C>T on the plus strand (G>A on the coding strand, the complement: GSDME is on the minus strand). VCF-style: chr7-24719042-C-T. GRCh37 (hg19) VCF-style: chr7-24758661-C-T.
Other names: c.84+5G>A (NM_001127454.2); c.576+5G>A (NM_004403.3).
Identifiers: ClinVar variation 2872477 (VCV002872477.3), dbSNP rs754008145, ClinGen allele CA4191701.
Genomic context (GRCh38, chr7:24,719,042, plus strand): 5'-AGGCCCCCAACCAAGGTCTCCAGGACTGCTCAGCCATGAACGCAGGGCAGCCCGACTGCA[C>T]GCACCTGCACCGTCTTGGTCTGGATGCCCACGATGCCACCACACTTCTCCTCGACCTGCA-3'

ClinVar aggregate classification (germline): Uncertain significance (1 of 4 stars; one submission).

Allele frequency attached by ClinVar (database versions not stated): TOPMed below 0.00001; ExAC 0.00001.
gnomAD v4.1: 12 of 1,612,020 alleles (0.00074%); highest among the groups gnomAD compares: Admixed American, 0.0033%; no homozygotes.

Submission:

Labcorp Genetics (formerly Invitae), Labcorp
Classification: Uncertain significance. Last evaluated: 2024-02-23. Review status: criteria provided, single submitter. Criteria: Invitae Variant Classification Sherloc (09022015). Collection method: clinical testing. Allele origin: germline.
Comment: This sequence change falls in intron 4 of the DFNA5 gene. It does not directly change the encoded amino acid sequence of the DFNA5 protein. It affects a nucleotide within the consensus splice site. The frequency data for this variant in the population databases is considered unreliable, as metrics indicate poor data quality at this position in the gnomAD database. This variant has not been reported in the literature in individuals affected with DFNA5-related conditions. Variants that disrupt the consensus splice site are a relatively common cause of aberrant splicing (PMID: 17576681, 9536098). Algorithms developed to predict the effect of sequence changes on RNA splicing suggest that this variant is not likely to affect RNA splicing. In summary, the available evidence is currently insufficient to determine the role of this variant in disease. Therefore, it has been classified as a Variant of Uncertain Significance.

Literature cited by the submitters: PubMed 17576681; PubMed 9536098.